The following is an entry in ClinVar:

NM_144672.4(OTOA):c.268-678G>A

Gene: OTOA (otoancorin). Cytogenetic location: 16p12.2.
Variant type: single nucleotide variant.
Coding change: c.268-678G>A on transcript NM_144672.4 (MANE Select); 678 bases into the intron before coding-DNA position 268, G replaced by A.
Molecular consequence: intron variant. On other transcripts: synonymous variant (1).
Genome position (GRCh38, 1-based): chr16:21,684,552, G>A. VCF-style: chr16-21684552-G-A. GRCh37 (hg19) VCF-style: chr16-21695873-G-A.
Other names: c.30G>A, p.Gln10= (NM_001161683.2).
Identifiers: ClinVar variation 4992668 (VCV004992668.1).
Genomic context (GRCh38, chr16:21,684,552, plus strand): 5'-AAACTTCCTGGACAAAGGCCAGCTGCTGCTGATGGGAAACTCAATCACCTACAGGGACCA[G>A]GCAGGCCATGGAATGGGGGAATCGGGCTGGCTGGGCCTGAGAGTTACTTCAACAAGCAGC-3'

ClinVar aggregate classification (germline): Uncertain significance (1 of 4 stars; one submission).

Conditions:
OTOA-related disorder. Also called: OTOA-related condition.

Submission:

PreventionGenetics, part of Exact Sciences
Classification: Uncertain significance for OTOA-related condition. Last evaluated: 2025-09-09. Review status: criteria provided, single submitter. Criteria: ACMG Guidelines, 2015. Collection method: clinical testing. Allele origin: germline.
Comment: The OTOA c.30G>A variant is not predicted to result in an amino acid change (p.=). This variant is predicted to decrease the strength of the canonical splice donor site of an OTOA alternative transcript based on available splicing prediction programs (SpliceAI, Jaganathan et al. 2019. PubMed ID: 30661751). However, this variant is deep intronic in the OTOA canonical transcript (NM_144672; c.268-678G>A). To our knowledge, this variant has not been reported in the literature or in a large population database (gnomAD), indicating this variant is rare. At this time, the clinical significance of this variant is uncertain due to the absence of conclusive functional and genetic evidence.